The following is an entry in ClinVar:

NM_017636.4(TRPM4):c.2474T>A (p.Leu825Gln)

Gene: TRPM4 (transient receptor potential cation channel subfamily M member 4; plus strand). Cytogenetic location: 19q13.33.
Variant type: single nucleotide variant.
Coding change: c.2474T>A on transcript NM_017636.4 (MANE Select); coding-DNA position 2474, T replaced by A.
Protein change: p.Leu825Gln; replaces leucine 825 with glutamine.
Molecular consequence: missense variant. On other transcripts: intron variant (1).
Genome position (GRCh38, 1-based): chr19:49,196,703, T>A. VCF-style: chr19-49196703-T-A. GRCh37 (hg19) VCF-style: chr19-49699960-T-A.
Other names: c.2129T>A, p.Leu710Gln (NM_001321281.2); c.866T>A, p.Leu289Gln (NM_001321282.2); c.1952T>A, p.Leu651Gln (NM_001321283.2); c.1412T>A, p.Leu471Gln (NM_001321285.2); c.2211-3597T>A (NM_001195227.2); short protein forms L651Q, L825Q, L289Q, L471Q, L710Q.
Identifiers: ClinVar variation 3660819 (VCV003660819.2).

ClinVar aggregate classification (germline): Uncertain significance (1 of 4 stars; one submission).

Conditions:
Progressive familial heart block type IB (PFHB1B). Identifiers: Orphanet 871, MedGen C1970298, MONDO:0011474, OMIM 604559.

Submission:

Labcorp Genetics (formerly Invitae), Labcorp
Classification: Uncertain significance for Progressive familial heart block type IB. Last evaluated: 2024-08-29. Review status: criteria provided, single submitter. Criteria: Invitae Variant Classification Sherloc (09022015). Collection method: clinical testing. Allele origin: germline.
Comment: This sequence change replaces leucine, which is neutral and non-polar, with glutamine, which is neutral and polar, at codon 825 of the TRPM4 protein (p.Leu825Gln). This variant is not present in population databases (gnomAD no frequency). This variant has not been reported in the literature in individuals affected with TRPM4-related conditions. An algorithm developed to predict the effect of missense changes on protein structure and function (PolyPhen-2) suggests that this variant is likely to be disruptive. In summary, the available evidence is currently insufficient to determine the role of this variant in disease. Therefore, it has been classified as a Variant of Uncertain Significance.